The following is an entry in ClinVar:

NM_021072.4(HCN1):c.705C>G (p.Ile235Met)

Gene: HCN1 (hyperpolarization activated cyclic nucleotide gated potassium channel 1; minus strand). Cytogenetic location: 5p12.
Variant type: single nucleotide variant.
Coding change: c.705C>G on transcript NM_021072.4 (MANE Select); coding-DNA position 705, C replaced by G.
Protein change: p.Ile235Met; replaces isoleucine 235 with methionine.
Molecular consequence: missense variant.
Genome position (GRCh38, 1-based): chr5:45,645,329, G>C on the plus strand (C>G on the coding strand, the complement: HCN1 is on the minus strand). VCF-style: chr5-45645329-G-C. GRCh37 (hg19) VCF-style: chr5-45645431-G-C.
Other names: c.705C>G (NM_021072.3); short protein forms I235M.
Identifiers: ClinVar variation 2874306 (VCV002874306.4), dbSNP rs1362012622, ClinGen allele CA359707301.

ClinVar aggregate classification (germline): Uncertain significance. Review status: criteria provided, multiple submitters, no conflicts (2 of 4 stars). 2 submissions from 2 submitters: Uncertain significance (2). Last evaluated 2024-04-29.

Conditions:
Early-infantile DEE. Also called: Ohtahara syndrome; Early infantile epileptic encephalopathy; Early infantile epileptic encephalopathy with suppression bursts. Identifiers: Orphanet 1934, MedGen C0393706, MONDO:0800491.

Submissions (2):

GeneDx
Classification: Uncertain significance. Last evaluated: 2024-04-29. Review status: criteria provided, single submitter. Criteria: GeneDx Variant Classification Process June 2021. Collection method: clinical testing. Allele origin: germline. Affected: yes.
Comment: Not observed at significant frequency in large population cohorts (gnomAD); In silico analysis supports that this missense variant has a deleterious effect on protein structure/function; Has not been previously published as pathogenic or benign to our knowledge

Labcorp Genetics (formerly Invitae), Labcorp
Classification: Uncertain significance for Early-infantile DEE. Last evaluated: 2023-11-11. Review status: criteria provided, single submitter. Criteria: Invitae Variant Classification Sherloc (09022015). Collection method: clinical testing. Allele origin: germline.
Comment: This sequence change replaces isoleucine, which is neutral and non-polar, with methionine, which is neutral and non-polar, at codon 235 of the HCN1 protein (p.Ile235Met). This variant is not present in population databases (gnomAD no frequency). This variant has not been reported in the literature in individuals affected with HCN1-related conditions. Advanced modeling of protein sequence and biophysical properties (such as structural, functional, and spatial information, amino acid conservation, physicochemical variation, residue mobility, and thermodynamic stability) performed at Invitae indicates that this missense variant is expected to disrupt HCN1 protein function with a positive predictive value of 80%. In summary, the available evidence is currently insufficient to determine the role of this variant in disease. Therefore, it has been classified as a Variant of Uncertain Significance.